The following is an entry in ClinVar:

NM_024665.7(TBL1XR1):c.724A>G (p.Thr242Ala)

Genes: TBL1XR1 (TBL1X/Y related 1; minus strand), TBL1XR1-AS1 (TBL1XR1 antisense RNA 1; plus strand). Cytogenetic location: 3q26.32.
Variant type: single nucleotide variant.
Coding change: c.724A>G on transcript NM_024665.7 (MANE Select); coding-DNA position 724, A replaced by G.
Protein change: p.Thr242Ala; replaces threonine 242 with alanine.
Molecular consequence: missense variant.
Genome position (GRCh38, 1-based): chr3:177,047,528, T>C on the plus strand (A>G on the coding strand, the complement: TBL1XR1 is on the minus strand). VCF-style: chr3-177047528-T-C. GRCh37 (hg19) VCF-style: chr3-176765316-T-C.
Other names: c.724A>G, p.Thr242Ala (NM_001321193.3, NM_001321194.3, NM_001374327.1 and 2 more transcripts); c.463A>G, p.Thr155Ala (NM_001321195.3, NM_001374330.1); short protein forms T242A, T155A.
Identifiers: ClinVar variation 2105778 (VCV002105778.4), dbSNP rs2473702055, ClinGen allele CA355552314.

ClinVar aggregate classification (germline): Uncertain significance (1 of 4 stars; one submission).

Conditions:
Pierpont syndrome (PRPTS). Identifiers: Orphanet 487825, MedGen C1865644, MONDO:0011213, OMIM 602342.

Submission:

Labcorp Genetics (formerly Invitae), Labcorp
Classification: Uncertain significance for Pierpont syndrome. Last evaluated: 2023-03-29. Review status: criteria provided, single submitter. Criteria: Invitae Variant Classification Sherloc (09022015). Collection method: clinical testing. Allele origin: germline.
Comment: In summary, the available evidence is currently insufficient to determine the role of this variant in disease. Therefore, it has been classified as a Variant of Uncertain Significance. Advanced modeling of protein sequence and biophysical properties (such as structural, functional, and spatial information, amino acid conservation, physicochemical variation, residue mobility, and thermodynamic stability) performed at Invitae indicates that this missense variant is expected to disrupt TBL1XR1 protein function. ClinVar contains an entry for this variant (Variation ID: 2105778). This variant has not been reported in the literature in individuals affected with TBL1XR1-related conditions. This variant is not present in population databases (gnomAD no frequency). This sequence change replaces threonine, which is neutral and polar, with alanine, which is neutral and non-polar, at codon 242 of the TBL1XR1 protein (p.Thr242Ala).